The following is an entry in ClinVar:

ClinVar aggregate classification (germline): Uncertain significance. Review status: criteria provided, multiple submitters, no conflicts (2 of 4 stars). 2 submissions from 2 submitters: Uncertain significance (2). Last evaluated 2024-01-22.

Conditions:
DICER1-related tumor predisposition. Also called: DICER1 syndrome; DICER1-related pleuropulmonary blastoma cancer predisposition syndrome. Identifiers: Orphanet 284343, MedGen C3839822, MONDO:0100216.
Hereditary cancer-predisposing syndrome. Also called: Neoplastic Syndromes, Hereditary; Hereditary Cancer Syndrome; Tumor predisposition; Hereditary neoplastic syndrome. Identifiers: Orphanet 140162, MedGen C0027672, MeSH D009386, MONDO:0015356.

Submissions (2):

Labcorp Genetics (formerly Invitae), Labcorp
Classification: Uncertain significance for DICER1-related tumor predisposition. Last evaluated: 2024-01-22. Review status: criteria provided, single submitter. Criteria: Invitae Variant Classification Sherloc (09022015). Collection method: clinical testing. Allele origin: germline.
Comment: This sequence change replaces tyrosine, which is neutral and polar, with cysteine, which is neutral and slightly polar, at codon 1639 of the DICER1 protein (p.Tyr1639Cys). This variant is present in population databases (no rsID available, gnomAD 0.007%). This variant has not been reported in the literature in individuals affected with DICER1-related conditions. ClinVar contains an entry for this variant (Variation ID: 1517416). An algorithm developed to predict the effect of missense changes on protein structure and function (PolyPhen-2) suggests that this variant is likely to be disruptive. In summary, the available evidence is currently insufficient to determine the role of this variant in disease. Therefore, it has been classified as a Variant of Uncertain Significance.

Ambry Genetics
Classification: Uncertain significance for Hereditary cancer-predisposing syndrome. Last evaluated: 2021-08-11. Review status: criteria provided, single submitter. Criteria: Ambry Variant Classification Scheme 2023. Collection method: clinical testing. Allele origin: germline.
Comment: The p.Y1639C variant (also known as c.4916A>G), located in coding exon 22 of the DICER1 gene, results from an A to G substitution at nucleotide position 4916. The tyrosine at codon 1639 is replaced by cysteine, an amino acid with highly dissimilar properties. This amino acid position is highly conserved in available vertebrate species. In addition, this alteration is predicted to be deleterious by in silico analysis. Since supporting evidence is limited at this time, the clinical significance of this alteration remains unclear.

NM_177438.3(DICER1):c.4916A>G (p.Tyr1639Cys)

Gene: DICER1 (dicer 1, ribonuclease III; minus strand). Cytogenetic location: 14q32.13.
Variant type: single nucleotide variant.
Coding change: c.4916A>G on transcript NM_177438.3 (MANE Select); coding-DNA position 4916, A replaced by G.
Protein change: p.Tyr1639Cys; replaces tyrosine 1639 with cysteine.
Molecular consequence: missense variant.
Genome position (GRCh38, 1-based): chr14:95,096,004, T>C on the plus strand (A>G on the coding strand, the complement: DICER1 is on the minus strand). VCF-style: chr14-95096004-T-C. GRCh37 (hg19) VCF-style: chr14-95562341-T-C.
Other names: c.4916A>G, p.Tyr1639Cys (NM_001195573.1, NM_001271282.3, NM_001291628.2 and 1 more transcripts); short protein forms Y1639C.
Identifiers: ClinVar variation 1517416 (VCV001517416.11), dbSNP rs1350329738, ClinGen allele CA390866320.